The following is an entry in ClinVar:

ClinVar aggregate classification (germline): Likely benign. Review status: criteria provided, multiple submitters, no conflicts (2 of 4 stars). 2 submissions from 2 submitters: Likely benign (2). Last evaluated 2025-12-01.

Allele frequency attached by ClinVar (database versions not stated): ExAC 0.00001; gnomAD 0.00001; gnomAD exomes below 0.00001.
gnomAD v4.1: 6 of 1,614,056 alleles (0.00037%); highest among the groups gnomAD compares: East Asian, 0.0022%; no homozygotes.

Submissions (2):

CeGaT Center for Human Genetics Tuebingen
Classification: Likely benign. Last evaluated: 2025-12-01. Review status: criteria provided, single submitter. Criteria: CeGaT Center For Human Genetics Tuebingen Variant Classification Criteria Version 2. Collection method: clinical testing. Allele origin: germline. Affected: yes. Observed: 1 variant allele.
Comment: TCF20: BP4, BP7

Labcorp Genetics (formerly Invitae), Labcorp
Classification: Likely benign. Last evaluated: 2023-10-25. Review status: criteria provided, single submitter. Criteria: Invitae Variant Classification Sherloc (09022015). Collection method: clinical testing. Allele origin: germline.

NM_001378418.1(TCF20):c.600A>G (p.Gln200=)

Gene: TCF20 (transcription factor 20; minus strand). Cytogenetic location: 22q13.2.
Variant type: single nucleotide variant.
Coding change: c.600A>G on transcript NM_001378418.1 (MANE Select); coding-DNA position 600, A replaced by G.
Protein change: p.Gln200=; no amino-acid change (glutamine 200 retained).
Molecular consequence: synonymous variant.
Genome position (GRCh38, 1-based): chr22:42,214,706, T>C on the plus strand (A>G on the coding strand, the complement: TCF20 is on the minus strand). VCF-style: chr22-42214706-T-C. GRCh37 (hg19) VCF-style: chr22-42610712-T-C.
Other names: c.600A>G, p.Gln200= (NM_005650.4, NM_181492.3).
Identifiers: ClinVar variation 2995026 (VCV002995026.8), dbSNP rs775862207, ClinGen allele CA10267327.
Genomic context (GRCh38, chr22:42,214,706, plus strand): 5'-AGAGGATGGCAGAGTTGAGGGCCGCTGCATTGGCTGTAGATGGGATGAGCTGGATGCTGG[T>C]TGGCCAGTGGCCTGTGGCAGGGGCTGATGGGACTGGTAAAGCTGTTGTCTCAACTGCTGG-3'
Protein context (NP_001365347.1, residues 190-210): SHQPLPQATG[Gln200=]PASSSSHLQP